The following is an entry in ClinVar:

ClinVar aggregate classification (germline): Benign. Review status: criteria provided, multiple submitters, no conflicts (2 of 4 stars). 2 submissions from 2 submitters: Benign (2). Last evaluated 2025-04-09.

Allele frequency attached by ClinVar (database versions not stated): TOPMed 0.42504; gnomAD 0.43764; 1000 Genomes Project 30x 0.49032; 1000 Genomes Project 0.50300.
gnomAD v4.1: 66,373 of 151,890 alleles (44%); highest among the groups gnomAD compares: East Asian, 77%; 14,829 homozygotes.

Submissions (2):

Molecular Diagnostic Laboratory for Inherited Cardiovascular Disease, Montreal Heart Institute
Classification: Benign. Last evaluated: 2025-04-09. Review status: criteria provided, single submitter. Criteria: ACMG Guidelines, 2015. Collection method: clinical testing. Allele origin: germline. Affected: no.

Unidad de Genómica Garrahan, Hospital de Pediatría Garrahan
Classification: Benign. Last evaluated: 2024-01-24. Review status: criteria provided, single submitter. Criteria: ACMG Guidelines, 2015. Collection method: clinical testing. Allele origin: germline. Affected: no. Observed: 64 variant alleles.
Comment: This variant is classified as Benign based on local population frequency. This variant was detected in 67% of patients studied by a panel of primary immunodeficiencies. Number of patients: 64. Only high quality variants are reported.

NM_003242.6(TGFBR2):c.94+7699G>A

Gene: TGFBR2 (transforming growth factor beta receptor 2; plus strand). Cytogenetic location: 3p24.1.
Variant type: single nucleotide variant.
Coding change: c.94+7699G>A on transcript NM_003242.6 (MANE Select); 7699 bases into the intron after coding-DNA position 94, G replaced by A.
Molecular consequence: intron variant. On other transcripts: missense variant (1).
Genome position (GRCh38, 1-based): chr3:30,614,676, G>A. VCF-style: chr3-30614676-G-A. GRCh37 (hg19) VCF-style: chr3-30656168-G-A.
Other names: c.16G>A, p.Gly6Ser (NM_001407128.1); c.-12+8083G>A (NM_001407129.1, NM_001407132.1); c.-200+7699G>A (NM_001407136.1); c.-190+7699G>A (NM_001407133.1); c.94+7699G>A (NM_001407126.1, NM_001024847.3, NM_001407139.1 and 5 more transcripts); c.-115+7699G>A (NM_001407135.1); c.-68+7699G>A (NM_001407134.1); short protein forms G6S.
Identifiers: ClinVar variation 2688032 (VCV002688032.3), dbSNP rs6791557, ClinGen allele CA11521803.